The following is an entry in ClinVar:

NM_001103.4(ACTN2):c.877-3C>A

Gene: ACTN2 (actinin alpha 2; plus strand). Cytogenetic location: 1q43.
Variant type: single nucleotide variant.
Coding change: c.877-3C>A on transcript NM_001103.4 (MANE Select); 3 bases into the intron before coding-DNA position 877, C replaced by A.
Molecular consequence: intron variant.
Genome position (GRCh38, 1-based): chr1:236,739,299, C>A. VCF-style: chr1-236739299-C-A. GRCh37 (hg19) VCF-style: chr1-236902599-C-A.
Other names: c.253-3C>A (NM_001278344.2); c.877-3C>A (NM_001278343.2).
Identifiers: ClinVar variation 2093356 (VCV002093356.4), dbSNP rs1174167762, ClinGen allele CA2580062383.

ClinVar aggregate classification (germline): Uncertain significance (1 of 4 stars; one submission).

Conditions:
Primary familial hypertrophic cardiomyopathy (HCM). Identifiers: Orphanet 99739, MedGen C0949658, MeSH D024741, MONDO:0024573. Inheritance: Various modes of inheritance.
Dilated cardiomyopathy 1AA (CMD1AA). Also called: CARDIOMYOPATHY, DILATED, 1AA, WITH OR WITHOUT LEFT VENTRICULAR NONCOMPACTION; CARDIOMYOPATHY, FAMILIAL HYPERTROPHIC, 23, WITH OR WITHOUT LEFT VENTRICULAR NONCOMPACTION; Cardiomyopathy, dilated, 1AA, with or without LVNC. Identifiers: Orphanet 154, MedGen C2677338, MONDO:0012808, OMIM 612158.

Submission:

Labcorp Genetics (formerly Invitae), Labcorp
Classification: Uncertain significance for Primary familial hypertrophic cardiomyopathy; Dilated cardiomyopathy 1AA. Last evaluated: 2022-02-05. Review status: criteria provided, single submitter. Criteria: Invitae Variant Classification Sherloc (09022015). Collection method: clinical testing. Allele origin: germline.
Comment: In summary, the available evidence is currently insufficient to determine the role of this variant in disease. Therefore, it has been classified as a Variant of Uncertain Significance. Variants that disrupt the consensus splice site are a relatively common cause of aberrant splicing (PMID: 17576681, 9536098). Algorithms developed to predict the effect of sequence changes on RNA splicing suggest that this variant may disrupt the consensus splice site. This variant has not been reported in the literature in individuals affected with ACTN2-related conditions. This variant is not present in population databases (gnomAD no frequency). This sequence change falls in intron 9 of the ACTN2 gene. It does not directly change the encoded amino acid sequence of the ACTN2 protein. It affects a nucleotide within the consensus splice site.

Literature cited by the submitters: PubMed 17576681; PubMed 9536098.